The following is an entry in ClinVar:

NM_001093.4(ACACB):c.4167C>T (p.Phe1389=)

Gene: ACACB (acetyl-CoA carboxylase beta; plus strand). Cytogenetic location: 12q24.11.
Variant type: single nucleotide variant.
Coding change: c.4167C>T on transcript NM_001093.4 (MANE Select); coding-DNA position 4167, C replaced by T.
Protein change: p.Phe1389=; no amino-acid change (phenylalanine 1389 retained).
Molecular consequence: synonymous variant.
Genome position (GRCh38, 1-based): chr12:109,233,775, C>T. VCF-style: chr12-109233775-C-T. GRCh37 (hg19) VCF-style: chr12-109671580-C-T.
Identifiers: ClinVar variation 756085 (VCV000756085.5), dbSNP rs754587008, ClinGen allele CA6774279.

ClinVar aggregate classification (germline): Likely benign. Review status: criteria provided, single submitter (1 of 4 stars). 2 submissions from 2 submitters: Likely benign (1). 1 of the submissions does not count toward it. Last evaluated 2018-06-29.

Conditions:
ACACB-related disorder. Also called: ACACB-related condition.

Allele frequency attached by ClinVar (database versions not stated): ExAC 0.00003; gnomAD 0.00003 and 0.00004; gnomAD exomes 0.00003; TOPMed 0.00003.
gnomAD v4.1: 41 of 1,614,048 alleles (0.0025%); highest among the groups gnomAD compares: Middle Eastern, 0.016%; no homozygotes.

Submissions (2):

Labcorp Genetics (formerly Invitae), Labcorp
Classification: Likely benign. Last evaluated: 2018-06-29. Review status: criteria provided, single submitter. Criteria: Invitae Variant Classification Sherloc (09022015). Collection method: clinical testing. Allele origin: germline.

PreventionGenetics, part of Exact Sciences
Classification: Likely benign for ACACB-related condition. Last evaluated: 2019-06-13. Review status: no assertion criteria provided. Collection method: clinical testing. Allele origin: germline. Not counted in ClinVar's aggregate classification.
Comment: This variant is classified as likely benign based on ACMG/AMP sequence variant interpretation guidelines (Richards et al. 2015 PMID: 25741868, with internal and published modifications).